The following is an entry in ClinVar:

ClinVar aggregate classification (germline): Likely benign (1 of 4 stars; one submission).

Allele frequency attached by ClinVar (database versions not stated): ExAC 0.00086; ESP Exome Variant Server 0.00277; TOPMed 0.00340; 1000 Genomes Project 30x 0.00375; 1000 Genomes Project 0.00379.
gnomAD v4.1: 856 of 1,584,534 alleles (0.054%); highest among the groups gnomAD compares: African/African-American, 1%; 2 homozygotes.

Submission:

GeneDx
Classification: Likely benign. Last evaluated: 2021-12-19. Review status: criteria provided, single submitter. Criteria: GeneDx Variant Classification Process June 2021. Collection method: clinical testing. Allele origin: germline. Affected: yes.
Comment: See Variant Classification Assertion Criteria.

NM_001193315.2(VIPAS39):c.505-27G>A

Gene: VIPAS39 (VPS33B interacting protein, apical-basolateral polarity regulator, spe-39 homolog; minus strand). Cytogenetic location: 14q24.3.
Variant type: single nucleotide variant.
Coding change: c.505-27G>A on transcript NM_001193315.2 (MANE Select); 27 bases into the intron before coding-DNA position 505, G replaced by A.
Molecular consequence: intron variant.
Genome position (GRCh38, 1-based): chr14:77,444,368, C>T on the plus strand (G>A on the coding strand, the complement: VIPAS39 is on the minus strand). VCF-style: chr14-77444368-C-T. GRCh37 (hg19) VCF-style: chr14-77910711-C-T.
Other names: c.358-1216G>A (NM_001400337.1); c.358-27G>A (NM_001193316.2, NM_001400324.1, NM_001400325.1); c.505-1216G>A (NM_001400333.1, NM_001400334.1); c.505-60G>A (NM_001400327.1); c.505-27G>A (NM_001400338.1, NM_001400339.1, NM_001400336.1 and 8 more transcripts).
Identifiers: ClinVar variation 1706924 (VCV001706924.2), dbSNP rs145159015, ClinGen allele CA7288066.
Genomic context (GRCh38, chr14:77,444,368, plus strand): 5'-CCTGTAAGGAGCGGAATCTCTCTAGTGAGCAAACCTGGCAGAATAACACTAGAATTAGTA[C>T]ACAAGAAGACAGTTTTCTTTATTCCTTTGTTGCTGGATACTAAAGAATAAGCAATAATGA-3'